The following is an entry in ClinVar:

NM_001032386.2(SUOX):c.-11+1604T>G

Gene: SUOX (sulfite oxidase; plus strand). Cytogenetic location: 12q13.2.
Variant type: single nucleotide variant.
Coding change: c.-11+1604T>G on transcript NM_001032386.2 (MANE Select); 1604 bases into the intron after 11 bases upstream of the start codon, T replaced by G.
Molecular consequence: intron variant.
Genome position (GRCh38, 1-based): chr12:55,999,327, T>G. VCF-style: chr12-55999327-T-G. GRCh37 (hg19) VCF-style: chr12-56393111-T-G.
Other names: c.-136-6T>G (NM_000456.3); c.-11+1988T>G (NM_001032387.2).
Identifiers: ClinVar variation 309826 (VCV000309826.6), dbSNP rs534066397, ClinGen allele CA10642039.

ClinVar aggregate classification (germline): Likely benign (1 of 4 stars; one submission).

Conditions:
Sulfite oxidase deficiency. Also called: Isolated sulfite oxidase deficiency. Identifiers: Orphanet 833, Orphanet 99731, MedGen C0268624, MONDO:0010089, OMIM 272300, HP:0003643.

Allele frequency attached by ClinVar (database versions not stated): 1000 Genomes Project 0.00200; 1000 Genomes Project 30x 0.00234; gnomAD 0.00280 and 0.00293; TOPMed 0.00306.

Submission:

Illumina Laboratory Services, Illumina
Classification: Likely benign for Sulfite oxidase deficiency. Last evaluated: 2018-01-12. Review status: criteria provided, single submitter. Criteria: ICSL Variant Classification Criteria 13 December 2019. Collection method: clinical testing. Allele origin: germline.
Comment: This variant was observed in the ICSL laboratory as part of a predisposition screen in an ostensibly healthy population. It had not been previously curated by ICSL or reported in the Human Gene Mutation Database (HGMD: prior to June 1st, 2018), and was therefore a candidate for classification through an automated scoring system. Utilizing variant allele frequency, disease prevalence and penetrance estimates, and inheritance mode, an automated score was calculated to assess if this variant is too frequent to cause the disease. Based on the score and internal cut-off values, a variant classified as likely benign is not then subjected to further curation. The score for this variant resulted in a classification of likely benign for this disease.